The following is an entry in ClinVar:

ClinVar aggregate classification (germline): Likely benign (1 of 4 stars; one submission).

Allele frequency attached by ClinVar (database versions not stated): gnomAD exomes below 0.00001.
gnomAD v4.1: 2 of 1,612,466 alleles (0.00012%); highest among the groups gnomAD compares: East Asian, 0.0022%; no homozygotes.

Submission:

GeneDx
Classification: Likely benign. Last evaluated: 2016-12-07. Review status: criteria provided, single submitter. Criteria: GeneDx Variant Classification (06012015). Collection method: clinical testing. Allele origin: germline. Affected: yes.
Comment: This variant is considered likely benign or benign based on one or more of the following criteria: it is a conservative change, it occurs at a poorly conserved position in the protein, it is predicted to be benign by multiple in silico algorithms, and/or has population frequency not consistent with disease.

NM_001267550.2(TTN):c.27348G>A (p.Lys9116=)

Gene: TTN (titin; minus strand). Cytogenetic location: 2q31.2.
Variant type: single nucleotide variant.
Coding change: c.27348G>A on transcript NM_001267550.2 (MANE Select); coding-DNA position 27348, G replaced by A.
Protein change: p.Lys9116=; no amino-acid change (lysine 9116 retained).
Molecular consequence: synonymous variant. On other transcripts: intron variant (3).
Genome position (GRCh38, 1-based): chr2:178,712,574, C>T on the plus strand (G>A on the coding strand, the complement: TTN is on the minus strand). VCF-style: chr2-178712574-C-T. GRCh37 (hg19) VCF-style: chr2-179577301-C-T.
Other names: c.26397G>A, p.Lys8799= (NM_001256850.1); c.23616G>A, p.Lys7872= (NM_133378.4); c.13282+25508G>A (NM_003319.4); c.13858+25508G>A (NM_133437.4); c.13657+25508G>A (NM_133432.3).
Identifiers: ClinVar variation 391587 (VCV000391587.1), dbSNP rs1057524151, ClinGen allele CA16604036.